The following is an entry in ClinVar:

ClinVar aggregate classification (germline): Likely benign (1 of 4 stars; one submission).

Allele frequency attached by ClinVar (database versions not stated): ExAC 0.00001; gnomAD 0.00001; TOPMed 0.00008.
gnomAD v4.1: 61 of 1,209,668 alleles (0.005%); highest among the groups gnomAD compares: Non-Finnish European, 0.0067%; no homozygotes.

Submission:

CeGaT Center for Human Genetics Tuebingen
Classification: Likely benign. Last evaluated: 2023-11-01. Review status: criteria provided, single submitter. Criteria: CeGaT Center For Human Genetics Tuebingen Variant Classification Criteria Version 2. Collection method: clinical testing. Allele origin: germline. Affected: yes. Observed: 1 variant allele.
Comment: ZNF711: BP4, BP7

NM_001330574.2(ZNF711):c.276G>T (p.Ala92=)

Gene: ZNF711 (ZFX family zinc finger ZNF711; plus strand). Cytogenetic location: Xq21.1.
Variant type: single nucleotide variant.
Coding change: c.276G>T on transcript NM_001330574.2 (MANE Select); coding-DNA position 276, G replaced by T.
Protein change: p.Ala92=; no amino-acid change (alanine 92 retained).
Molecular consequence: synonymous variant.
Genome position (GRCh38, 1-based): chrX:85,255,455, G>T. VCF-style: chrX-85255455-G-T. GRCh37 (hg19) VCF-style: chrX-84510461-G-T.
Other names: c.276G>T, p.Ala92= (NM_001375431.1, NM_001375432.1, NM_001375433.1 and 5 more transcripts).
Identifiers: ClinVar variation 2673248 (VCV002673248.23), dbSNP rs745920796, ClinGen allele CA10464604.